The following is an entry in ClinVar:

NM_139318.5(KCNH5):c.998G>T (p.Arg333Leu)

Gene: KCNH5 (potassium voltage-gated channel subfamily H member 5; minus strand). Cytogenetic location: 14q23.2.
Variant type: single nucleotide variant.
Coding change: c.998G>T on transcript NM_139318.5 (MANE Select); coding-DNA position 998, G replaced by T.
Protein change: p.Arg333Leu; replaces arginine 333 with leucine.
Molecular consequence: missense variant.
Genome position (GRCh38, 1-based): chr14:62,950,504, C>A on the plus strand (G>T on the coding strand, the complement: KCNH5 is on the minus strand). VCF-style: chr14-62950504-C-A. GRCh37 (hg19) VCF-style: chr14-63417222-C-A.
Other names: c.998G>T, p.Arg333Leu (NM_172375.3); short protein forms R333L.
Identifiers: ClinVar variation 4041567 (VCV004041567.1).

ClinVar aggregate classification (germline): Likely pathogenic (1 of 4 stars; one submission).

Conditions:
Inborn genetic diseases. Identifiers: MedGen C0950123, MeSH D030342.

gnomAD v4.1: 2 of 1,608,442 alleles (0.00012%); highest among the groups gnomAD compares: Non-Finnish European, 0.00017%; no homozygotes.

Submission:

Ambry Genetics
Classification: Likely pathogenic for Inborn genetic diseases. Last evaluated: 2025-03-17. Review status: criteria provided, single submitter. Criteria: Ambry Variant Classification Scheme 2023. Collection method: clinical testing. Allele origin: germline.
Comment: The c.998G>T (p.R333L) alteration is located in exon 7 (coding exon 7) of the KCNH5 gene. This alteration results from a G to T substitution at nucleotide position 998, causing the arginine (R) at amino acid position 333 to be replaced by a leucine (L). This variant was not reported in population-based cohorts in the Genome Aggregation Database (gnomAD). Another variant at the same codon, c.998G>A (p.R333H), has been identified in individual(s) with features consistent with KCNH5-related neurodevelopmental disorder (Happ, 2023). This amino acid position is highly conserved in available vertebrate species. This alteration is predicted to be deleterious by in silico analysis. Based on the available evidence, this alteration is classified as likely pathogenic.

Literature cited by the submitters: PubMed 36307226.